The following is an entry in ClinVar:

ClinVar aggregate classification (germline): Likely pathogenic. Review status: criteria provided, multiple submitters, no conflicts (2 of 4 stars). 2 submissions from 2 submitters: Likely pathogenic (2). Last evaluated 2018-07-03.

Conditions:
Hereditary pulmonary alveolar proteinosis. Also called: Pulmonary surfactant metabolism dysfunction. Identifiers: Orphanet 264675, MedGen C3711368, MONDO:0012580.
Primary interstitial lung disease specific to childhood due to pulmonary surfactant protein anomalies. Identifiers: Orphanet 100049, MedGen C5680383, MONDO:0015052.

Submissions (2):

Laboratory for Molecular Medicine, Mass General Brigham Personalized Medicine
Classification: Likely pathogenic for Primary interstitial lung disease specific to childhood due to pulmonary surfactant protein anomalies. Last evaluated: 2018-07-03. Review status: criteria provided, single submitter. Criteria: LMM Criteria. Collection method: clinical testing. Allele origin: germline. Inheritance: Autosomal recessive inheritance. Observed: 1 variant allele.
Comment: The c.2053-1G>C variant in ABCA3 has not been previously reported in individuals /any other families with lung disease and was absent from large population studi es. This variant occurs in the invariant region (+/- 1,2) of the splice consensu s sequence and is predicted to cause altered splicing leading to an abnormal or absent protein. In summary, although additional studies are required to fully es tablish its clinical significance, the c.2053-1G>C variant is likely pathogenic. ACMG/AMP Criteria applied: PVS1_Strong, PM2.

Ambry Genetics
Classification: Likely pathogenic for Hereditary pulmonary alveolar proteinosis. Last evaluated: 2014-09-18. Review status: criteria provided, single submitter. Criteria: Ambry Variant Classification Scheme 2023. Collection method: clinical testing. Allele origin: germline.
Comment: The c.2053-1G>C intronic variant, results from a G to C one nucleotide upstream from coding exon 14 of the ABCA3 gene. This variant was not reported in population based cohorts in the following databases: Database of Single Nucleotide Polymorphisms (dbSNP), NHLBI Exome Sequencing Project (ESP), and 1000 Genomes Project. In the ESP, this variant was not observed in 6498 samples (12996 alleles) with coverage at this position. This nucleotide position is highly conserved in available vertebrate species. Using the BDGP splice site prediction tool, this alteration is predicted by to abolish the native acceptor splice site, but with a second tool, ESEfinder, is predicted to weaken (but not abolish) the efficacy of the native acceptor splice site; however, direct evidence is unavailable. Alterations that disrupt the canonical splice acceptor site are typically deleterious in nature (ACMG Recommendations for Standards for Interpretation and Reporting of Sequence Variations. Revision 2007. Genet Med. 2008;10:294). As such, the c.2053-1G>C variant is classified as likely pathogenic.

NM_001089.3(ABCA3):c.2053-1G>C

Gene: ABCA3 (ATP binding cassette subfamily A member 3; minus strand). Cytogenetic location: 16p13.3.
Variant type: single nucleotide variant.
Coding change: c.2053-1G>C on transcript NM_001089.3 (MANE Select); the canonical splice acceptor site of the intron before coding-DNA position 2053, G replaced by C.
Molecular consequence: splice acceptor variant.
Genome position (GRCh38, 1-based): chr16:2,297,540, C>G on the plus strand (G>C on the coding strand, the complement: ABCA3 is on the minus strand). VCF-style: chr16-2297540-C-G. GRCh37 (hg19) VCF-style: chr16-2347541-C-G.
Identifiers: ClinVar variation 667363 (VCV000667363.6), dbSNP rs1596842934, ClinGen allele CA394331287.